The following is an entry in ClinVar:

ClinVar aggregate classification (germline): Uncertain significance (1 of 4 stars; one submission).

Submission:

GeneDx
Classification: Uncertain significance. Last evaluated: 2025-03-26. Review status: criteria provided, single submitter. Criteria: GeneDx Variant Classification Process June 2021. Collection method: clinical testing. Allele origin: germline.
Comment: Not observed at significant frequency in large population cohorts (gnomAD); In silico analysis supports that this missense variant has a deleterious effect on protein structure/function; Has not been previously published as pathogenic or benign to our knowledge

NM_181552.4(CUX1):c.326A>G (p.His109Arg)

Genes: CUX1 (cut like homeobox 1; plus strand), LOC126860126 (P300/CBP strongly-dependent group 1 enhancer GRCh37_chr7:101740358-101741557; plus strand). Cytogenetic location: 7q22.1.
Variant type: single nucleotide variant.
Coding change: c.326A>G on transcript NM_181552.4 (MANE Select); coding-DNA position 326, A replaced by G.
Protein change: p.His109Arg; replaces histidine 109 with arginine.
Molecular consequence: missense variant. On other transcripts: intron variant (1).
Genome position (GRCh38, 1-based): chr7:102,097,421, A>G. VCF-style: chr7-102097421-A-G. GRCh37 (hg19) VCF-style: chr7-101740701-A-G.
Other names: c.359A>G, p.His120Arg (NM_001202543.2, NM_001913.5, NM_181500.4); c.311A>G, p.His104Arg (NM_001202544.3); c.248A>G, p.His83Arg (NM_001202546.3); c.302-6915A>G (NM_001202545.3); short protein forms H104R, H109R, H120R, H83R.
Identifiers: ClinVar variation 3767405 (VCV003767405.2).